The following is an entry in ClinVar:

ClinVar aggregate classification (germline): Conflicting classifications of pathogenicity. Review status: criteria provided, conflicting classifications (1 of 4 stars). 16 submissions from 12 submitters: Uncertain significance (3); Benign (5); Likely benign (7). 1 of the submissions does not count toward it. Last evaluated 2026-01-26.

Conditions:
TTN-related disorder. Also called: TTN-related condition; TTN-related disease; TTN-related disorders.
Cardiovascular phenotype. Identifiers: MedGen CN230736.
Dilated cardiomyopathy 1G (CMD1G). Identifiers: Orphanet 154, MedGen C1858763, MONDO:0011400, OMIM 604145.
Autosomal recessive limb-girdle muscular dystrophy type 2J (LGMDR10). Also called: Limb-girdle muscular dystrophy, type 2J; MUSCULAR DYSTROPHY, LIMB-GIRDLE, AUTOSOMAL RECESSIVE 10. Identifiers: Orphanet 140922, MedGen C1837342, MONDO:0012127, OMIM 608807.
Cardiomyopathy (CMYO). Also called: Cardiomyopathies. Identifiers: Orphanet 167848, MedGen C0878544, MONDO:0004994, HP:0001638. Inheritance: Various modes of inheritance.
Early-onset myopathy with fatal cardiomyopathy (CMYO5). Also called: Salih Myopathy; CONGENITAL MYOPATHY 5 WITH CARDIOMYOPATHY. Identifiers: Orphanet 289377, MedGen C2673677, MONDO:0012714, OMIM 611705. Disease mechanism: loss of function.
Myopathy, myofibrillar, 9, with early respiratory failure (MFM9). Also called: Hereditary myopathy with early respiratory failure; Myopathy, distal, with early respiratory failure, autosomal dominant; EDSTROM MYOPATHY; MYOPATHY, PROXIMAL, WITH EARLY RESPIRATORY MUSCLE INVOLVEMENT. Identifiers: Orphanet 178464, Orphanet 34521, MedGen C1863599, MONDO:0011362, OMIM 603689.
Tibial muscular dystrophy (TMD). Also called: Udd Distal Myopathy – Tibial Muscular Dystrophy; Tibial muscular dystrophy, tardive; UDD MYOPATHY. Identifiers: Orphanet 609, MedGen C1838244, MONDO:0010870, OMIM 600334.

Allele frequency attached by ClinVar (database versions not stated): 1000 Genomes Project 30x 0.00016; ExAC 0.00032; gnomAD 0.00059 and 0.00065; TOPMed 0.00070; ESP Exome Variant Server 0.00091.
gnomAD v4.1: 231 of 1,612,640 alleles (0.014%); highest among the groups gnomAD compares: African/African-American, 0.18%; no homozygotes.

Submissions (16):

Labcorp Genetics (formerly Invitae), Labcorp
Classification: Benign for Dilated cardiomyopathy 1G; Autosomal recessive limb-girdle muscular dystrophy type 2J. Last evaluated: 2026-01-26. Review status: criteria provided, single submitter. Criteria: Invitae Variant Classification Sherloc (09022015). Collection method: clinical testing. Allele origin: germline.

Women's Health and Genetics/Laboratory Corporation of America, LabCorp
Classification: Likely benign. Last evaluated: 2025-12-11. Review status: criteria provided, single submitter. Criteria: LabCorp Variant Classification Summary - May 2015. Collection method: clinical testing. Allele origin: germline.

CeGaT Center for Human Genetics Tuebingen
Classification: Likely benign. Last evaluated: 2025-09-01. Review status: criteria provided, single submitter. Criteria: CeGaT Center For Human Genetics Tuebingen Variant Classification Criteria Version 2. Collection method: clinical testing. Allele origin: germline. Affected: yes. Observed: 2 variant alleles.
Comment: TTN: BP4, BP7

Molecular Diagnostic Laboratory for Inherited Cardiovascular Disease, Montreal Heart Institute
Classification: Likely benign. Last evaluated: 2025-04-09. Review status: criteria provided, single submitter. Criteria: ACMG Guidelines, 2015. Collection method: clinical testing. Allele origin: germline. Affected: no.
Comment: BS1;BP7

Blueprint Genetics
Classification: Likely benign. Last evaluated: 2024-05-27. Review status: criteria provided, single submitter. Criteria: ACMG Guidelines, 2015. Collection method: clinical testing. Allele origin: germline.

CHEO Genetics Diagnostic Laboratory, Children's Hospital of Eastern Ontario
Classification: Benign for Cardiomyopathy. Last evaluated: 2020-12-11. Review status: criteria provided, single submitter. Criteria: ACMG Guidelines, 2015. Collection method: clinical testing. Allele origin: germline.

Illumina Laboratory Services, Illumina
Classification: Benign for Tibial muscular dystrophy. Last evaluated: 2018-01-13. Review status: criteria provided, single submitter. Criteria: ICSL Variant Classification Criteria 13 December 2019. Collection method: clinical testing. Allele origin: germline.
Comment: This variant was observed in the ICSL laboratory as part of a predisposition screen in an ostensibly healthy population. It had not been previously curated by ICSL or reported in the Human Gene Mutation Database (HGMD: prior to June 1st, 2018), and was therefore a candidate for classification through an automated scoring system. Utilizing variant allele frequency, disease prevalence and penetrance estimates, and inheritance mode, an automated score was calculated to assess if this variant is too frequent to cause the disease. Based on the score and internal cut-off values, a variant classified as benign is not then subjected to further curation. The score for this variant resulted in a classification of benign for this disease.

Illumina Laboratory Services, Illumina
Classification: Uncertain significance for Early-onset myopathy with fatal cardiomyopathy. Last evaluated: 2018-01-13. Review status: criteria provided, single submitter. Criteria: ICSL Variant Classification Criteria 13 December 2019. Collection method: clinical testing. Allele origin: germline.

Illumina Laboratory Services, Illumina
Classification: Uncertain significance for Autosomal recessive limb-girdle muscular dystrophy type 2J. Last evaluated: 2018-01-13. Review status: criteria provided, single submitter. Criteria: ICSL Variant Classification Criteria 13 December 2019. Collection method: clinical testing. Allele origin: germline.

Illumina Laboratory Services, Illumina
Classification: Benign for Myopathy, myofibrillar, 9, with early respiratory failure. Last evaluated: 2018-01-13. Review status: criteria provided, single submitter. Criteria: ICSL Variant Classification Criteria 13 December 2019. Collection method: clinical testing. Allele origin: germline.
Comment: the same text as in the submission from Illumina Laboratory Services, Illumina above.

Illumina Laboratory Services, Illumina
Classification: Uncertain significance for Dilated cardiomyopathy 1G. Last evaluated: 2018-01-13. Review status: criteria provided, single submitter. Criteria: ICSL Variant Classification Criteria 13 December 2019. Collection method: clinical testing. Allele origin: germline.

Eurofins Ntd Llc (ga)
Classification: Likely benign. Last evaluated: 2015-12-28. Review status: criteria provided, single submitter. Criteria: EGL Classification Definitions 2015. Collection method: clinical testing. Allele origin: germline. Observed: 1 variant allele, 1 heterozygote.

Ambry Genetics
Classification: Likely benign for Cardiovascular phenotype. Last evaluated: 2015-09-17. Review status: criteria provided, single submitter. Criteria: Ambry Variant Classification Scheme 2023. Collection method: clinical testing. Allele origin: germline.

GeneDx
Classification: Benign. Last evaluated: 2015-08-14. Review status: criteria provided, single submitter. Criteria: GeneDx Variant Classification (06012015). Collection method: clinical testing. Allele origin: germline. Affected: yes.
Comment: This variant is considered likely benign or benign based on one or more of the following criteria: it is a conservative change, it occurs at a poorly conserved position in the protein, it is predicted to be benign by multiple in silico algorithms, and/or has population frequency not consistent with disease.

Laboratory for Molecular Medicine, Mass General Brigham Personalized Medicine
Classification: Likely benign. Last evaluated: 2012-01-24. Review status: criteria provided, single submitter. Criteria: LMM Criteria. Collection method: clinical testing. Allele origin: germline. Observed: 2 variant alleles.
Comment: Asp18725Asp in exon 256 of TTN: This variant is not expected to have clinical si gnificance because it does not alter an amino acid residue, is not located withi n the splice consensus sequence, and has been identified in 1/6651 European Amer ican chromosomes and 0.2% (7/3120) of African American chromosomes by the NHLBI Exome Sequencing Project in a broad population. Asp18725Asp in exon 256 of TTN (allele frequency = 0.2%, 7/3120) **

PreventionGenetics, part of Exact Sciences
Classification: Likely benign for TTN-related condition. Last evaluated: 2023-07-13. Review status: no assertion criteria provided. Collection method: clinical testing. Allele origin: germline. Not counted in ClinVar's aggregate classification.
Comment: This variant is classified as likely benign based on ACMG/AMP sequence variant interpretation guidelines (Richards et al. 2015 PMID: 25741868, with internal and published modifications).

NM_001267550.2(TTN):c.63879C>T (p.Asp21293=)

Genes: TTN (titin; minus strand), TTN-AS1 (TTN antisense RNA 1; plus strand). Cytogenetic location: 2q31.2.
Variant type: single nucleotide variant.
Coding change: c.63879C>T on transcript NM_001267550.2 (MANE Select); coding-DNA position 63879, C replaced by T.
Protein change: p.Asp21293=; no amino-acid change (aspartic acid 21293 retained).
Molecular consequence: synonymous variant.
Genome position (GRCh38, 1-based): chr2:178,587,332, G>A on the plus strand (C>T on the coding strand, the complement: TTN is on the minus strand). VCF-style: chr2-178587332-G-A. GRCh37 (hg19) VCF-style: chr2-179452059-G-A.
Other names: c.58956C>T, p.Asp19652= (NM_001256850.1); c.36684C>T, p.Asp12228= (NM_003319.4); c.56175C>T, p.Asp18725= (NM_133378.4); c.37059C>T, p.Asp12353= (NM_133432.3); c.37260C>T, p.Asp12420= (NM_133437.4).
Identifiers: ClinVar variation 47200 (VCV000047200.40), dbSNP rs200463088, ClinGen allele CA140305.